The following is an entry in ClinVar:

NM_001042492.3(NF1):c.1573T>G (p.Leu525Val)

Gene: NF1 (neurofibromin 1; plus strand). Cytogenetic location: 17q11.2.
Variant type: single nucleotide variant.
Coding change: c.1573T>G on transcript NM_001042492.3 (MANE Select); coding-DNA position 1573, T replaced by G.
Protein change: p.Leu525Val; replaces leucine 525 with valine.
Molecular consequence: missense variant.
Genome position (GRCh38, 1-based): chr17:31,219,050, T>G. VCF-style: chr17-31219050-T-G. GRCh37 (hg19) VCF-style: chr17-29546068-T-G.
Other names: c.1573T>G, p.Leu525Val (NM_000267.4, NM_001128147.3); short protein forms L525V.
Identifiers: ClinVar variation 4119156 (VCV004119156.1).

ClinVar aggregate classification (germline): Uncertain significance (1 of 4 stars; one submission).

Conditions:
Cardiovascular phenotype. Identifiers: MedGen CN230736.
Hereditary cancer-predisposing syndrome. Also called: Hereditary neoplastic syndrome; Neoplastic Syndromes, Hereditary; Tumor predisposition; Hereditary Cancer Syndrome. Identifiers: Orphanet 140162, MedGen C0027672, MeSH D009386, MONDO:0015356.

Submission:

Ambry Genetics
Classification: Uncertain significance for Cardiovascular phenotype; Hereditary cancer-predisposing syndrome. Last evaluated: 2025-08-22. Review status: criteria provided, single submitter. Criteria: Ambry Variant Classification Scheme 2023. Collection method: clinical testing. Allele origin: germline.
Comment: The p.L525V variant (also known as c.1573T>G), located in coding exon 14 of the NF1 gene, results from a T to G substitution at nucleotide position 1573. The leucine at codon 525 is replaced by valine, an amino acid with highly similar properties. This amino acid position is conserved. In addition, this alteration is predicted to be tolerated by in silico analysis. Based on the available evidence, the clinical significance of this variant remains unclear.